The following is an entry in ClinVar:

ClinVar aggregate classification (germline): Benign/Likely benign. Review status: criteria provided, multiple submitters, no conflicts (2 of 4 stars). 6 submissions from 6 submitters: Benign (1); Likely benign (4). 1 of the submissions does not count toward it. Last evaluated 2026-04-21.

Conditions:
BRIP1-related disorder. Also called: BRIP1-related condition; BRIP1-related disorders. Identifiers: MedGen CN239206.
Fanconi anemia complementation group J. Also called: BRIP1-Related Fanconi Anemia. Identifiers: Orphanet 84, MedGen C1836860, MONDO:0012187, OMIM 609054.
Familial cancer of breast. Also called: hereditary breast carcinoma; BREAST CANCER, FAMILIAL; Hereditary breast cancer. Identifiers: Orphanet 227535, MedGen C0346153, MONDO:0016419, OMIM 114480. Disease mechanism: loss of function.
Hereditary cancer-predisposing syndrome. Also called: Neoplastic Syndromes, Hereditary; Tumor predisposition; Hereditary Cancer Syndrome; Hereditary neoplastic syndrome. Identifiers: Orphanet 140162, MedGen C0027672, MeSH D009386, MONDO:0015356.

Allele frequency attached by ClinVar (database versions not stated): TOPMed below 0.00001; gnomAD 0.00001 and 0.00002; ExAC 0.00003; gnomAD exomes 0.00004.
gnomAD v4.1: 26 of 1,613,880 alleles (0.0016%); highest among the groups gnomAD compares: East Asian, 0.056%; no homozygotes.

Submissions (6):

PreventionGenetics, part of Exact Sciences
Classification: Likely benign for BRIP1-related condition. Last evaluated: 2026-04-21. Review status: criteria provided, single submitter. Criteria: ACMG Guidelines, 2015. Collection method: clinical testing. Allele origin: germline.
Comment: This variant is classified as likely benign based on ACMG/AMP sequence variant interpretation guidelines (Richards et al. 2015 PMID: 25741868, with internal and published modifications).

Labcorp Genetics (formerly Invitae), Labcorp
Classification: Likely benign for Familial cancer of breast; Fanconi anemia complementation group J. Last evaluated: 2025-09-24. Review status: criteria provided, single submitter. Criteria: Invitae Variant Classification Sherloc (09022015). Collection method: clinical testing. Allele origin: germline.

Myriad Genetics, Inc.
Classification: Benign for Familial cancer of breast. Last evaluated: 2024-08-22. Review status: criteria provided, single submitter. Criteria: Myriad Autosomal Dominant, Autosomal Recessive and X-Linked Classification Criteria (2023). Collection method: clinical testing. Allele origin: unknown.
Comment: This variant is considered benign. This variant is a silent/synonymous amino acid change and it is not expected to impact splicing.

Color Diagnostics, LLC DBA Color Health
Classification: Likely benign for Hereditary cancer-predisposing syndrome. Last evaluated: 2024-03-06. Review status: criteria provided, single submitter. Criteria: ACMG Guidelines, 2015. Collection method: clinical testing. Allele origin: germline.

Ambry Genetics
Classification: Likely benign for Hereditary cancer-predisposing syndrome. Last evaluated: 2016-04-08. Review status: criteria provided, single submitter. Criteria: Ambry Variant Classification Scheme 2023. Collection method: clinical testing. Allele origin: germline.

Leiden Open Variation Database
Classification: Benign. Last evaluated: 2019-08-13. Review status: no assertion criteria provided. Collection method: curation. Allele origin: germline. Affected: yes. Not counted in ClinVar's aggregate classification.
Comment: Curator: Arleen D. Auerbach. Submitter to LOVD: Yukihide Momozawa.

Literature cited by the submitters: PubMed 31214711 (cited by Leiden Open Variation Database).

NM_032043.3(BRIP1):c.972A>T (p.Thr324=)

Gene: BRIP1 (BRCA1 interacting DNA helicase 1; minus strand). Cytogenetic location: 17q23.2.
Variant type: single nucleotide variant.
Coding change: c.972A>T on transcript NM_032043.3 (MANE Select); coding-DNA position 972, A replaced by T.
Protein change: p.Thr324=; no amino-acid change (threonine 324 retained).
Molecular consequence: synonymous variant.
Genome position (GRCh38, 1-based): chr17:61,801,421, T>A on the plus strand (A>T on the coding strand, the complement: BRIP1 is on the minus strand). VCF-style: chr17-61801421-T-A. GRCh37 (hg19) VCF-style: chr17-59878782-T-A.
Identifiers: ClinVar variation 219458 (VCV000219458.24), dbSNP rs779627397, ClinGen allele CA348074.